The following is an entry in ClinVar:

NM_020975.6(RET):c.1098G>C (p.Glu366Asp)

Gene: RET (ret proto-oncogene; plus strand). Cytogenetic location: 10q11.21.
Variant type: single nucleotide variant.
Coding change: c.1098G>C on transcript NM_020975.6 (MANE Select); coding-DNA position 1098, G replaced by C.
Protein change: p.Glu366Asp; replaces glutamic acid 366 with aspartic acid.
Molecular consequence: missense variant.
Genome position (GRCh38, 1-based): chr10:43,109,065, G>C. VCF-style: chr10-43109065-G-C. GRCh37 (hg19) VCF-style: chr10-43604513-G-C.
Other names: c.1098G>C, p.Glu366Asp (NM_000323.2, NM_001406743.1, NM_001406744.1 and 6 more transcripts); c.336G>C, p.Glu112Asp (NM_001355216.2); c.969G>C, p.Glu323Asp (NM_001406761.1, NM_001406762.1, NM_001406764.1 and 1 more transcripts); c.810G>C, p.Glu270Asp (NM_001406766.1, NM_001406767.1, NM_001406770.1); c.660G>C, p.Glu220Asp (NM_001406771.1, NM_001406773.1); c.372G>C, p.Glu124Asp (NM_001406775.1, NM_001406776.1, NM_001406777.1 and 1 more transcripts); c.108G>C, p.Glu36Asp (NM_001406784.1); short protein forms E112D, E366D, E124D, E220D, E270D, E323D, E36D.
Identifiers: ClinVar variation 988371 (VCV000988371.11), dbSNP rs1362164894, ClinGen allele CA376547306.

ClinVar aggregate classification (germline): Conflicting classifications of pathogenicity. Review status: criteria provided, conflicting classifications (1 of 4 stars). 3 submissions from 3 submitters: Pathogenic (1); Uncertain significance (2). Last evaluated 2024-09-02.

Conditions:
Multiple endocrine neoplasia, type 2 (MEN2). Identifiers: Orphanet 653, MedGen C4048306, MONDO:0019003. Disease mechanism: gain of function.
Hereditary cancer-predisposing syndrome. Also called: Hereditary Cancer Syndrome; Neoplastic Syndromes, Hereditary; Tumor predisposition; Hereditary neoplastic syndrome. Identifiers: Orphanet 140162, MedGen C0027672, MeSH D009386, MONDO:0015356.

Submissions (3):

Labcorp Genetics (formerly Invitae), Labcorp
Classification: Uncertain significance for Multiple endocrine neoplasia, type 2. Last evaluated: 2024-09-02. Review status: criteria provided, single submitter. Criteria: Invitae Variant Classification Sherloc (09022015). Collection method: clinical testing. Allele origin: germline.
Comment: This sequence change replaces glutamic acid, which is acidic and polar, with aspartic acid, which is acidic and polar, at codon 366 of the RET protein (p.Glu366Asp). This variant is not present in population databases (gnomAD no frequency). This variant has not been reported in the literature in individuals affected with RET-related conditions. ClinVar contains an entry for this variant (Variation ID: 988371). An algorithm developed to predict the effect of missense changes on protein structure and function (PolyPhen-2) suggests that this variant is likely to be disruptive. In summary, the available evidence is currently insufficient to determine the role of this variant in disease. Therefore, it has been classified as a Variant of Uncertain Significance.

Ambry Genetics
Classification: Uncertain significance for Hereditary cancer-predisposing syndrome. Last evaluated: 2024-02-25. Review status: criteria provided, single submitter. Criteria: Ambry Variant Classification Scheme 2023. Collection method: clinical testing. Allele origin: germline.
Comment: The p.E366D variant (also known as c.1098G>C), located in coding exon 6 of the RET gene, results from a G to C substitution at nucleotide position 1098. The glutamic acid at codon 366 is replaced by aspartic acid, an amino acid with highly similar properties. This amino acid position is conserved. In addition, the in silico prediction for this alteration is inconclusive. Based on the available evidence, the clinical significance of this alteration remains unclear.

Clinical Genetics and Genomics, Karolinska University Hospital
Classification: Pathogenic. Last evaluated: 2016-05-26. Review status: criteria provided, single submitter. Criteria: ACMG Guidelines, 2015. Collection method: clinical testing. Allele origin: germline. Affected: yes. Observed: 1 variant allele.